The following is an entry in ClinVar:

ClinVar aggregate classification (germline): Pathogenic/Likely pathogenic. Review status: criteria provided, multiple submitters, no conflicts (2 of 4 stars). 2 submissions from 2 submitters: Pathogenic (1); Likely pathogenic (1). Last evaluated 2025-12-17.

Conditions:
Autosomal recessive limb-girdle muscular dystrophy type R18 (LGMDR18). Also called: Limb-girdle muscular dystrophy, type 2S; MUSCULAR DYSTROPHY, LIMB-GIRDLE, AUTOSOMAL RECESSIVE 18; Autosomal recessive limb-girdle muscular dystrophy type 2S. Identifiers: Orphanet 369840, MedGen C4517996, MONDO:0014144, OMIM 615356.

Submissions (2):

Labcorp Genetics (formerly Invitae), Labcorp
Classification: Pathogenic for Autosomal recessive limb-girdle muscular dystrophy type R18. Last evaluated: 2025-12-17. Review status: criteria provided, single submitter. Criteria: Invitae Variant Classification Sherloc (09022015). Collection method: clinical testing. Allele origin: germline.
Comment: This sequence change creates a premature translational stop signal (p.Trp986*) in the TRAPPC11 gene. It is expected to result in an absent or disrupted protein product. Loss-of-function variants in TRAPPC11 are known to be pathogenic (PMID: 23830518, 26322222). This variant is not present in population databases (gnomAD no frequency). This variant has not been reported in the literature in individuals affected with TRAPPC11-related conditions. ClinVar contains an entry for this variant (Variation ID: 2992464). For these reasons, this variant has been classified as Pathogenic.

Variantyx, Inc.
Classification: Likely pathogenic for Autosomal recessive limb-girdle muscular dystrophy type R18. Last evaluated: 2025-12-05. Review status: criteria provided, single submitter. Criteria: Variantyx Assertion Criteria 2022. Collection method: clinical testing. Allele origin: germline. Inheritance: Autosomal recessive inheritance. Affected: no.
Comment: This is a nonsense variant in the TRAPPC11 gene (OMIM: 614138). Pathogenic variants in this gene have been associated with autosomal recessive limb-girdle muscular dystrophy 18. This variant introduces a premature termination codon in exon 26 out of 30 and is expected to result in loss of function, which is a known disease mechanism for TRAPPC11 in this disorder (PMID: 23830518, 26322222) (PVS1). This variant is absent from control populations (PM2) and has not been reported in individuals with TRAPPC11-related disorders in the databases available for review. Based on the current evidence, this variant is classified as likely pathogenic for autosomal recessive limb-girdle muscular dystrophy 18.

Literature cited by the submitters: PubMed 23830518 (cited by Labcorp Genetics (formerly Invitae), Labcorp and Variantyx, Inc.); PubMed 26322222 (cited by Labcorp Genetics (formerly Invitae), Labcorp and Variantyx, Inc.).

NM_021942.6(TRAPPC11):c.2958G>A (p.Trp986Ter)

Gene: TRAPPC11 (trafficking protein particle complex subunit 11; plus strand). Cytogenetic location: 4q35.1.
Variant type: single nucleotide variant.
Coding change: c.2958G>A on transcript NM_021942.6 (MANE Select); coding-DNA position 2958, G replaced by A.
Protein change: p.Trp986Ter; replaces tryptophan 986 with a stop codon.
Molecular consequence: nonsense.
Genome position (GRCh38, 1-based): chr4:183,701,803, G>A. VCF-style: chr4-183701803-G-A. GRCh37 (hg19) VCF-style: chr4-184622956-G-A.
Other names: c.2958G>A, p.Trp986Ter (NM_199053.3); short protein forms W986*.
Identifiers: ClinVar variation 2992464 (VCV002992464.3), dbSNP rs2476948907, ClinGen allele CA358873959.